The following is an entry in ClinVar:

NM_000038.6(APC):c.694C>T (p.Arg232Ter)

Gene: APC (APC regulator of Wnt signaling pathway; plus strand). Cytogenetic location: 5q22.2.
Variant type: single nucleotide variant.
Coding change: c.694C>T on transcript NM_000038.6 (MANE Select); coding-DNA position 694, C replaced by T.
Protein change: p.Arg232Ter; replaces arginine 232 with a stop codon.
Molecular consequence: nonsense. On other transcripts: 5 prime UTR variant (1), intron variant (2).
Genome position (GRCh38, 1-based): chr5:112,792,494, C>T. VCF-style: chr5-112792494-C-T. GRCh37 (hg19) VCF-style: chr5-112128191-C-T.
Other names: NM_000038.6(APC):c.694C>T; p.Arg232Ter; c.694C>T, p.Arg232Ter (NM_001127510.3, NM_001354895.2, NM_001354896.2 and 1 more transcripts); c.724C>T, p.Arg242Ter (NM_001354897.2, NM_001354902.2); c.619C>T, p.Arg207Ter (NM_001354898.2, NM_001354904.2); c.517C>T, p.Arg173Ter (NM_001354900.2, NM_001354901.2, NM_001354905.2); c.-342C>T (NM_001354906.2); c.676-8785C>T (NM_001127511.3); and 1 more; short protein forms R232*, R173*, R207*, R242*.
Identifiers: ClinVar variation 42248 (VCV000042248.49), dbSNP rs397515734, ClinGen allele CA012693.
Genomic context (GRCh38, chr5:112,792,494, plus strand): 5'-GTTTTATTTTAGCGAAGAATAGCCAGAATTCAGCAAATCGAAAAGGACATACTTCGTATA[C>T]GACAGCTTTTACAGTCCCAAGCAACAGAAGCAGAGGTTAGTAAATTGCCTTTCTTGTTTG-3'

ClinVar aggregate classification (germline): Pathogenic. Review status: reviewed by expert panel (3 of 4 stars). 21 submissions from 21 submitters: Pathogenic (1). 20 of the submissions do not count toward it. Last evaluated 2025-05-19.
ClinVar aggregate classification (somatic clinical impact): Tier I - Strong (1 of 4 stars; one submission).
ClinVar aggregate classification (oncogenicity): Likely oncogenic (1 of 4 stars; one submission).

Conditions:
APC-related disorder. Also called: APC-related condition.
Hereditary cancer-predisposing syndrome. Also called: Tumor predisposition; Neoplastic Syndromes, Hereditary; Hereditary neoplastic syndrome; Hereditary Cancer Syndrome. Identifiers: Orphanet 140162, MedGen C0027672, MeSH D009386, MONDO:0015356.
Desmoid disease, hereditary (DESMD). Also called: FIBROMATOSIS, FAMILIAL INFILTRATIVE. Identifiers: Orphanet 873, MedGen C1851124, OMIM 135290. Disease mechanism: loss of function.
Carcinoma of colon (CRC). Also called: Colonic carcinoma; Colon carcinoma. Identifiers: MedGen C0699790, MONDO:0002032.
Familial adenomatous polyposis 1 (FAP1). Also called: FAMILIAL ADENOMATOUS POLYPOSIS 1, ATTENUATED; POLYPOSIS, ADENOMATOUS INTESTINAL. Identifiers: MedGen C2713442, MONDO:0021056, OMIM 175100. Disease mechanism: loss of function.
Neoplasm of stomach. Also called: Neoplasm of the stomach; Gastric neoplasm; Stomach Neoplasms. Identifiers: MedGen C0038356, MONDO:0021085, HP:0006753. Disease mechanism: gain of function. Inheritance: Somatic mutation.
Hepatocellular carcinoma (HCC). Also called: HEPATOMA; LIVER CELL CARCINOMA; Primary carcinoma of liver. Identifiers: Orphanet 88673, MedGen C2239176, MONDO:0007256, OMIM 114550, HP:0001402.
Familial multiple polyposis syndrome (FAP). Also called: Classic familial adenomatous polyposis; Familial polyposis; Familial Adenomatous Polyposis (FAP); Familial adenomatous polyposis; Familial intestinal polyposis. Identifiers: Orphanet 733, MedGen C0032580, MONDO:0021055. Disease mechanism: loss of function.
Colon adenocarcinoma. Also called: Colonic adenocarcinoma; Adenocarcinoma of the colon. Identifiers: MedGen C0338106, MONDO:0002271, HP:0040276.
Neoplasm. Also called: tumor; Neoplasms; Neoplasm (disease). Identifiers: MedGen C0027651, MeSH D009369, MONDO:0005070, HP:0002664.

Allele frequency attached by ClinVar (database versions not stated): gnomAD exomes below 0.00001.

Submissions 1 to 9 of 23:

ClinGen InSiGHT Hereditary Colorectal Cancer/Polyposis Variant Curation Expert Panel
Classification: Pathogenic for Familial adenomatous polyposis 1. Last evaluated: 2025-05-19. Review status: reviewed by expert panel. Criteria: ClinGen InSiGHT HCCP VCEP ACMG Specifications APC V1. Collection method: curation. Allele origin: germline. Inheritance: Autosomal dominant inheritance.
Comment: The NM_000038.6:c.694C>T p.(Arg232Ter) variant in APC is a nonsense variant located between codon 49 and 2645 and predicted to cause a premature stop codon in exon 7 in a gene in which loss-of-function is an established disease mechanism (PVS1). This variant has been reported in at least 10 probands meeting phenotypic criteria, resulting in a total phenotype score of > 4 (PS4, [PMID: 1316610, 20223039, 7524601, 21110124, 19279422 and several more]). This variant is absent from gnomAD v2.1.1 (PM2_Supporting). In summary, this variant meets the criteria to be classified as Pathogenic for autosomal-dominant inherited FAP based on the ACMG/AMP criteria applied, as specified by the ClinGen InSiGHT Hereditary Colorectal Cancer/Polyposis VCEP: criteria PVS1, PS4 and PM2_Supporting applied (VCEP specifications version v2.1.0; date of approval 11/24/2023).

Women's Health and Genetics/Laboratory Corporation of America, LabCorp
Classification: Pathogenic for Familial multiple polyposis syndrome. Last evaluated: 2026-06-30. Review status: criteria provided, single submitter. Criteria: LabCorp Variant Classification Summary - May 2015. Collection method: clinical testing. Allele origin: germline. Not counted in ClinVar's aggregate classification.
Comment: Variant summary: APC c.694C>T (p.Arg232X) results in a premature termination codon, predicted to cause a truncation of the encoded protein or absence of the protein due to nonsense mediated decay, which are commonly known mechanisms for disease. The variant was absent in 251206 control chromosomes. c.694C>T has been observed in multiple individual(s) affected with Familial Adenomatous Polyposis (e.g. Miyoshi_1992, Lee_2022). These data indicate that the variant is likely to be associated with disease. To our knowledge, no experimental evidence demonstrating an impact on protein function has been reported. The following publications have been ascertained in the context of this evaluation (PMID: 35189564, 1316610). ClinVar contains an entry for this variant (Variation ID: 42248). Based on the evidence outlined above, the variant was classified as pathogenic.

Dasa
Classification: Pathogenic. Last evaluated: 2026-02-20. Review status: criteria provided, single submitter. Criteria: DASA Assertion Criteria. Collection method: clinical testing. Allele origin: germline. Not counted in ClinVar's aggregate classification.
Comment: NM_000038.6(APC):c.694C>T (p.Arg232*) introduces a premature stop codon predicted to result in loss of function. Loss-of-function is an established mechanism of disease for this gene. The variant has been recurrently observed in individuals with familial adenomatous polyposis (PMIDs: 1316610, 7524601, 19279422, 20223039) and is present at very low frequency in population datasets. Based on the available data, this variant is classified as pathogenic.

GeneDx
Classification: Pathogenic. Last evaluated: 2026-01-31. Review status: criteria provided, single submitter. Criteria: GeneDx Variant Classification Process June 2021. Collection method: clinical testing. Allele origin: germline. Affected: yes. Not counted in ClinVar's aggregate classification.
Comment: Nonsense variant predicted to result in protein truncation or nonsense mediated decay in a gene for which loss of function is a known mechanism of disease; Not observed at significant frequency in large population cohorts (gnomAD); This variant is associated with the following publications: (PMID: 16134147, 20223039, 20649969, 20924072, 12173026, 9342373, 25525159, 12007223, 17963004, 1316610, 22886683, 9664575, 21110124, 15108286, 24033266, 26917275, 26900293, 26300997, 26446593, 29961768, 30897307, 31269945, 31447099, 35189564, 39096151, 36964972, 34897210)

Labcorp Genetics (formerly Invitae), Labcorp
Classification: Pathogenic for Familial adenomatous polyposis 1. Last evaluated: 2025-10-22. Review status: criteria provided, single submitter. Criteria: Invitae Variant Classification Sherloc (09022015). Collection method: clinical testing. Allele origin: germline. Not counted in ClinVar's aggregate classification.
Comment: This sequence change creates a premature translational stop signal (p.Arg232*) in the APC gene. It is expected to result in an absent or disrupted protein product. Loss-of-function variants in APC are known to be pathogenic (PMID: 17963004, 20685668). This variant is not present in population databases (gnomAD no frequency). This premature translational stop signal has been observed in individual(s) with familial adenomatous polyposis (PMID: 1316610, 20223039, 20685668, 24735542). ClinVar contains an entry for this variant (Variation ID: 42248). For these reasons, this variant has been classified as Pathogenic.

Ambry Genetics
Classification: Pathogenic for Hereditary cancer-predisposing syndrome. Last evaluated: 2025-09-15. Review status: criteria provided, single submitter. Criteria: Ambry Variant Classification Scheme 2023. Collection method: clinical testing. Allele origin: germline. Not counted in ClinVar's aggregate classification.
Comment: The p.R232* pathogenic mutation (also known as c.694C>T), located in coding exon 6 of the APC gene, results from a C to T substitution at nucleotide position 694. This changes the amino acid from an arginine to a stop codon within coding exon 6. This variant was reported in individual(s) with features consistent with APC-related familial adenomatous polyposis (Miyoshi Y et al. Proc. Natl. Acad. Sci. 1992 May;89(10):4452-6; Friedl W and Aretz S. Hered. Cancer Clin. Pract. 2005 Sep;3(3):95-114; Kanter-Smoler G et al. BMC Med. 2008 Apr;6:10; Zhang Y et al. Biochem. Biophys. Res. Commun. 2014 May;447(3):503-7; Simbolo M et al. Hered. Cancer Clin. Pract. 2015 Aug;13(1):18). This variant is considered to be rare based on population cohorts in the Genome Aggregation Database (gnomAD). This alteration is expected to result in loss of function by premature protein truncation or nonsense-mediated mRNA decay. As such, this alteration is interpreted as a disease-causing mutation.

GeneKor MSA
Classification: Pathogenic for Hereditary cancer-predisposing syndrome. Last evaluated: 2025-06-25. Review status: criteria provided, single submitter. Criteria: ACMG Guidelines, 2015. Collection method: clinical testing. Allele origin: germline. Not counted in ClinVar's aggregate classification.
Comment: This variant is a single base substitution at nucleotide position 694 of the APC gene, replacing Arginine with a termination stop signal at codon 232. This results in the production of a truncated, non-functional protein. Truncating variants in APC are known to be pathogenic (PMID:17963004, 20685668). This variant is present in population databases (rs397515734). ClinVar contains entries for this variant (VCV000042248.41) and it has been reported in patients with familial adenomatous polyposis (FAP) (PMID:1316610, 20223039, 20685668, 24735542). Based on the classification criteria set by the ACMG and AMP, this variant has been classified as pathogenic.

Center for Genomic Medicine, Rigshospitalet, Copenhagen University Hospital
Classification: Likely oncogenic for Neoplasm. Last evaluated: 2025-03-04. Review status: criteria provided, single submitter. Criteria: ClinGen/CGC/VICC Guidelines for Oncogenicity, 2022. Collection method: clinical testing. Allele origin: somatic. Affected: yes.

Blueprint Genetics
Classification: Pathogenic for APC-related disorders. Last evaluated: 2024-07-08. Review status: criteria provided, single submitter. Criteria: ACMG Guidelines, 2015. Collection method: clinical testing. Allele origin: germline. Affected: yes. Observed: 2 variant alleles. Not counted in ClinVar's aggregate classification.